The following is an entry in ClinVar:

NC_012920.1(MT-TV):m.1656del

Gene: MT-TV (mitochondrially encoded tRNA valine; plus strand).
Variant type: Deletion.
Genome position: chrM-1654-TA-T.
Identifiers: ClinVar variation 689849 (VCV000689849.1), dbSNP rs1603218604, ClinGen allele CA915952195.
Genomic context (GRCh38, chrMT:1,654, plus strand): 5'-GGACGAACCAGAGTGTAGCTTAACACAAAGCACCCAACTTACACTTAGGAGATTTCAACT[TA>T]ACTTGACCGCTCTGAGCTAAACCTAGCCCCAAACCCACTCCACCTTACTACCAGACAACC-3'

ClinVar aggregate classification (germline): Likely benign (1 of 4 stars; one submission).

Conditions:
MELAS syndrome (MELAS). Also called: Juvenile myopathy, encephalopathy, lactic acidosis, stroke. Identifiers: Orphanet 550, MedGen C0162671, MONDO:0010789, OMIM 540000.

Submission:

Wong Mito Lab, Molecular and Human Genetics, Baylor College of Medicine
Classification: Likely benign for MELAS syndrome. Last evaluated: 2019-07-12. Review status: criteria provided, single submitter. Criteria: Modified ACMG Guidelines (Unpublished). Collection method: clinical testing. Allele origin: germline.
Comment: The NC_012920.1:m.1656delA variant in MT-TV gene is interpreted to be a Likely Benign variant based on the modified ACMG guidelines (unpublished). This variant meets the following evidence codes reported in the guidelines: BP4, BP6

Literature cited by the submitters: PubMed 31965079.